The following is an entry in ClinVar:

ClinVar aggregate classification (germline): Pathogenic (1 of 4 stars; one submission).

Submission:

GeneDx
Classification: Pathogenic. Last evaluated: 2022-09-06. Review status: criteria provided, single submitter. Criteria: GeneDx Variant Classification Process June 2021. Collection method: clinical testing. Allele origin: germline. Affected: yes.
Comment: Nonsense variant predicted to result in protein truncation or nonsense mediated decay in a gene for which loss of function is a known mechanism of disease; Not observed at significant frequency in large population cohorts (gnomAD); This variant is associated with the following publications: (PMID: 25216260)

NM_181486.4(TBX5):c.880G>T (p.Glu294Ter)

Gene: TBX5 (T-box transcription factor 5; minus strand). Cytogenetic location: 12q24.21.
Variant type: single nucleotide variant.
Coding change: c.880G>T on transcript NM_181486.4 (MANE Select); coding-DNA position 880, G replaced by T.
Protein change: p.Glu294Ter; replaces glutamic acid 294 with a stop codon.
Molecular consequence: nonsense.
Genome position (GRCh38, 1-based): chr12:114,366,267, C>A on the plus strand (G>T on the coding strand, the complement: TBX5 is on the minus strand). VCF-style: chr12-114366267-C-A. GRCh37 (hg19) VCF-style: chr12-114804072-C-A.
Other names: c.880G>T, p.Glu294Ter (NM_000192.3); c.730G>T, p.Glu244Ter (NM_080717.4); short protein forms E244*, E294*.
Identifiers: ClinVar variation 2442466 (VCV002442466.1), dbSNP rs867641094, ClinGen allele CA386926429.